The following is an entry in ClinVar:

NM_032228.6(FAR1):c.227G>C (p.Arg76Thr)

Gene: FAR1 (fatty acyl-CoA reductase 1; plus strand). Cytogenetic location: 11p15.3.
Variant type: single nucleotide variant.
Coding change: c.227G>C on transcript NM_032228.6 (MANE Select); coding-DNA position 227, G replaced by C.
Protein change: p.Arg76Thr; replaces arginine 76 with threonine.
Molecular consequence: missense variant.
Genome position (GRCh38, 1-based): chr11:13,700,354, G>C. VCF-style: chr11-13700354-G-C. GRCh37 (hg19) VCF-style: chr11-13721901-G-C.
Other names: short protein forms R76T.
Identifiers: ClinVar variation 2703900 (VCV002703900.3), dbSNP rs1277188886, ClinGen allele CA379856401.

ClinVar aggregate classification (germline): Uncertain significance (1 of 4 stars; one submission).

Submission:

Labcorp Genetics (formerly Invitae), Labcorp
Classification: Uncertain significance. Last evaluated: 2024-02-05. Review status: criteria provided, single submitter. Criteria: Invitae Variant Classification Sherloc (09022015). Collection method: clinical testing. Allele origin: germline.
Comment: This sequence change replaces arginine, which is basic and polar, with threonine, which is neutral and polar, at codon 76 of the FAR1 protein (p.Arg76Thr). This variant is not present in population databases (gnomAD no frequency). This variant has not been reported in the literature in individuals affected with FAR1-related conditions. Advanced modeling of protein sequence and biophysical properties (such as structural, functional, and spatial information, amino acid conservation, physicochemical variation, residue mobility, and thermodynamic stability) performed at Invitae indicates that this missense variant is not expected to disrupt FAR1 protein function with a negative predictive value of 80%. In summary, the available evidence is currently insufficient to determine the role of this variant in disease. Therefore, it has been classified as a Variant of Uncertain Significance.